The following is an entry in ClinVar:

NM_024675.4(PALB2):c.3009C>A (p.Asn1003Lys)

Gene: PALB2 (partner and localizer of BRCA2; minus strand). Cytogenetic location: 16p12.2.
Variant type: single nucleotide variant.
Coding change: c.3009C>A on transcript NM_024675.4 (MANE Select); coding-DNA position 3009, C replaced by A.
Protein change: p.Asn1003Lys; replaces asparagine 1003 with lysine.
Molecular consequence: missense variant.
Genome position (GRCh38, 1-based): chr16:23,621,466, G>T on the plus strand (C>A on the coding strand, the complement: PALB2 is on the minus strand). VCF-style: chr16-23621466-G-T. GRCh37 (hg19) VCF-style: chr16-23632787-G-T.
Other names: c.2949C>A, p.Asn983Lys (NM_001407296.1); c.2937C>A, p.Asn979Lys (NM_001407297.1); c.2847C>A, p.Asn949Lys (NM_001407298.1, NM_001407302.1); c.3009C>A, p.Asn1003Lys (NM_001407299.1, NM_001407301.1); c.2124C>A, p.Asn708Lys (NM_001407304.1, NM_001407305.1, NM_001407306.1 and 4 more transcripts); c.1962C>A, p.Asn654Lys (NM_001407307.1); c.1221C>A, p.Asn407Lys (NM_001407312.1, NM_001407313.1); c.543C>A, p.Asn181Lys (NM_001407314.1); short protein forms N1003K, N181K, N407K, N654K, N708K, N949K, N979K, N983K.
Identifiers: ClinVar variation 1717157 (VCV001717157.5), dbSNP rs1555459417, ClinGen allele CA395143180.

ClinVar aggregate classification (germline): Uncertain significance (1 of 4 stars; one submission).

Conditions:
Familial cancer of breast. Also called: BREAST CANCER, FAMILIAL; hereditary breast carcinoma; Hereditary breast cancer. Identifiers: Orphanet 227535, MedGen C0346153, MONDO:0016419, OMIM 114480. Disease mechanism: loss of function.

Submission:

Labcorp Genetics (formerly Invitae), Labcorp
Classification: Uncertain significance for Familial cancer of breast. Last evaluated: 2022-08-20. Review status: criteria provided, single submitter. Criteria: Invitae Variant Classification Sherloc (09022015). Collection method: clinical testing. Allele origin: germline.
Comment: In summary, the available evidence is currently insufficient to determine the role of this variant in disease. Therefore, it has been classified as a Variant of Uncertain Significance. This sequence change replaces asparagine, which is neutral and polar, with lysine, which is basic and polar, at codon 1003 of the PALB2 protein (p.Asn1003Lys). This variant is not present in population databases (gnomAD no frequency). This variant has not been reported in the literature in individuals affected with PALB2-related conditions. Algorithms developed to predict the effect of missense changes on protein structure and function output the following: SIFT: "Tolerated"; PolyPhen-2: "Benign"; Align-GVGD: "Class C0". The lysine amino acid residue is found in multiple mammalian species, which suggests that this missense change does not adversely affect protein function.